The following is an entry in ClinVar:

NM_205768.3(ZBTB18):c.299A>G (p.Asp100Gly)

Gene: ZBTB18 (zinc finger and BTB domain containing 18; plus strand). Cytogenetic location: 1q44.
Variant type: single nucleotide variant.
Coding change: c.299A>G on transcript NM_205768.3 (MANE Select); coding-DNA position 299, A replaced by G.
Protein change: p.Asp100Gly; replaces aspartic acid 100 with glycine.
Molecular consequence: missense variant.
Genome position (GRCh38, 1-based): chr1:244,054,073, A>G. VCF-style: chr1-244054073-A-G. GRCh37 (hg19) VCF-style: chr1-244217375-A-G.
Other names: c.272A>G, p.Asp91Gly (NM_001278196.2, NM_006352.5); short protein forms D100G, D91G.
Identifiers: ClinVar variation 1331622 (VCV001331622.4), dbSNP rs2148556202, ClinGen allele CA345672585.

ClinVar aggregate classification (germline): Uncertain significance (1 of 4 stars; one submission).

gnomAD v4.1: 3 of 1,614,072 alleles (0.00019%); highest among the groups gnomAD compares: Non-Finnish European, 0.00025%; no homozygotes.

Submission:

Greenwood Genetic Center Diagnostic Laboratories, Greenwood Genetic Center
Classification: Uncertain significance. Last evaluated: 2021-03-19. Review status: criteria provided, single submitter. Criteria: ACMG Guidelines, 2015. Collection method: clinical testing. Allele origin: germline. Affected: yes.
Comment: PM2